The following is an entry in ClinVar:

NM_005591.4(MRE11):c.1703A>C (p.Lys568Thr)

Gene: MRE11 (MRE11 double strand break repair nuclease; minus strand). Cytogenetic location: 11q21.
Variant type: single nucleotide variant.
Coding change: c.1703A>C on transcript NM_005591.4 (MANE Select); coding-DNA position 1703, A replaced by C.
Protein change: p.Lys568Thr; replaces lysine 568 with threonine.
Molecular consequence: missense variant.
Genome position (GRCh38, 1-based): chr11:94,447,299, T>G on the plus strand (A>C on the coding strand, the complement: MRE11 is on the minus strand). VCF-style: chr11-94447299-T-G. GRCh37 (hg19) VCF-style: chr11-94180465-T-G.
Other names: c.1703A>C, p.Lys568Thr (NM_001330347.2, NM_005590.4); short protein forms K568T.
Identifiers: ClinVar variation 2087581 (VCV002087581.4), dbSNP rs201999861, ClinGen allele CA382368292.

ClinVar aggregate classification (germline): Uncertain significance (1 of 4 stars; one submission).

Conditions:
Ataxia-telangiectasia-like disorder (ATLD). Identifiers: MedGen C1858391, MONDO:0011457.

Submission:

Labcorp Genetics (formerly Invitae), Labcorp
Classification: Uncertain significance for Ataxia-telangiectasia-like disorder. Last evaluated: 2022-03-27. Review status: criteria provided, single submitter. Criteria: Invitae Variant Classification Sherloc (09022015). Collection method: clinical testing. Allele origin: germline.
Comment: This sequence change replaces lysine, which is basic and polar, with threonine, which is neutral and polar, at codon 568 of the MRE11 protein (p.Lys568Thr). This variant is not present in population databases (gnomAD no frequency). This variant has not been reported in the literature in individuals affected with MRE11-related conditions. Algorithms developed to predict the effect of missense changes on protein structure and function (SIFT, PolyPhen-2, Align-GVGD) all suggest that this variant is likely to be tolerated. In summary, the available evidence is currently insufficient to determine the role of this variant in disease. Therefore, it has been classified as a Variant of Uncertain Significance.